The following is an entry in ClinVar:

NM_024408.4(NOTCH2):c.2824A>G (p.Thr942Ala)

Gene: NOTCH2 (notch receptor 2; minus strand). Cytogenetic location: 1p12.
Variant type: single nucleotide variant.
Coding change: c.2824A>G on transcript NM_024408.4 (MANE Select); coding-DNA position 2824, A replaced by G.
Protein change: p.Thr942Ala; replaces threonine 942 with alanine.
Molecular consequence: missense variant.
Genome position (GRCh38, 1-based): chr1:119,941,683, T>C on the plus strand (A>G on the coding strand, the complement: NOTCH2 is on the minus strand). VCF-style: chr1-119941683-T-C. GRCh37 (hg19) VCF-style: chr1-120484306-T-C.
Other names: p.Thr942Ala; c.2824A>G, p.Thr942Ala (NM_001200001.2); short protein forms T942A.
Identifiers: ClinVar variation 502278 (VCV000502278.20), dbSNP rs372549390, ClinGen allele CA1040193.

ClinVar aggregate classification (germline): Conflicting classifications of pathogenicity. Review status: criteria provided, conflicting classifications (1 of 4 stars). 4 submissions from 4 submitters: Uncertain significance (3); Likely benign (1). Last evaluated 2025-11-21.

Conditions:
Hajdu-Cheney syndrome (HJCYS). Also called: Acroosteolysis dominant type; SERPENTINE FIBULA-POLYCYSTIC KIDNEY SYNDROME; ACROOSTEOLYSIS WITH OSTEOPOROSIS AND CHANGES IN SKULL AND MANDIBLE. Identifiers: Orphanet 955, MedGen C0917715, MONDO:0007057, OMIM 102500.

Allele frequency attached by ClinVar (database versions not stated): ExAC 0.00005; ESP Exome Variant Server 0.00008; gnomAD exomes 0.00009 and 0.00014; gnomAD 0.00011 and 0.00014; TOPMed 0.00011.
gnomAD v4.1: 220 of 1,614,040 alleles (0.014%); highest among the groups gnomAD compares: Non-Finnish European, 0.018%; no homozygotes.

Submissions (4):

Labcorp Genetics (formerly Invitae), Labcorp
Classification: Uncertain significance for Hajdu-Cheney syndrome. Last evaluated: 2025-11-21. Review status: criteria provided, single submitter. Criteria: Invitae Variant Classification Sherloc (09022015). Collection method: clinical testing. Allele origin: germline.
Comment: This sequence change replaces threonine, which is neutral and polar, with alanine, which is neutral and non-polar, at codon 942 of the NOTCH2 protein (p.Thr942Ala). This variant is present in population databases (rs372549390, gnomAD 0.02%). This variant has not been reported in the literature in individuals affected with NOTCH2-related conditions. ClinVar contains an entry for this variant (Variation ID: 502278). Invitae Evidence Modeling of protein sequence and biophysical properties (such as structural, functional, and spatial information, amino acid conservation, physicochemical variation, residue mobility, and thermodynamic stability) indicates that this missense variant is not expected to disrupt NOTCH2 protein function with a negative predictive value of 95%. In summary, the available evidence is currently insufficient to determine the role of this variant in disease. Therefore, it has been classified as a Variant of Uncertain Significance.

CeGaT Center for Human Genetics Tuebingen
Classification: Likely benign. Last evaluated: 2025-07-01. Review status: criteria provided, single submitter. Criteria: CeGaT Center For Human Genetics Tuebingen Variant Classification Criteria Version 2. Collection method: clinical testing. Allele origin: germline. Affected: yes. Observed: 1 variant allele.
Comment: NOTCH2: BP4

Mayo Clinic Laboratories, Mayo Clinic
Classification: Uncertain significance. Last evaluated: 2024-06-20. Review status: criteria provided, single submitter. Criteria: ACMG Guidelines, 2015. Collection method: clinical testing. Allele origin: germline. Observed: 4 variant alleles.
Comment: BP4, PP2

Eurofins Ntd Llc (ga)
Classification: Uncertain significance. Last evaluated: 2017-05-25. Review status: criteria provided, single submitter. Criteria: EGL Classification Definitions 2015. Collection method: clinical testing. Allele origin: germline. Observed: 1 variant allele, 1 heterozygote.